The following is an entry in ClinVar:

NM_001113378.2(FANCI):c.2519G>T (p.Arg840Leu)

Gene: FANCI (FA complementation group I; plus strand). Cytogenetic location: 15q26.1.
Variant type: single nucleotide variant.
Coding change: c.2519G>T on transcript NM_001113378.2 (MANE Select); coding-DNA position 2519, G replaced by T.
Protein change: p.Arg840Leu; replaces arginine 840 with leucine.
Molecular consequence: missense variant. On other transcripts: intron variant (1).
Genome position (GRCh38, 1-based): chr15:89,294,977, G>T. VCF-style: chr15-89294977-G-T. GRCh37 (hg19) VCF-style: chr15-89838208-G-T.
Other names: c.2240G>T, p.Arg747Leu (NM_001376910.1); c.2519G>T, p.Arg840Leu (NM_001376911.1); c.2456+980G>T (NM_018193.3); short protein forms R840L, R747L.
Identifiers: ClinVar variation 456208 (VCV000456208.8), dbSNP rs777483611, ClinGen allele CA393750790.

ClinVar aggregate classification (germline): Uncertain significance (1 of 4 stars; one submission).

Conditions:
Fanconi anemia (FA). Also called: Fanconi's anemia. Identifiers: Orphanet 84, MedGen C0015625, MeSH D005199, MONDO:0019391.

Allele frequency attached by ClinVar (database versions not stated): TOPMed 0.00001.
gnomAD v4.1: 2 of 1,552,284 alleles (0.00013%); highest among the groups gnomAD compares: East Asian, 0.0049%; no homozygotes.

Submission:

Labcorp Genetics (formerly Invitae), Labcorp
Classification: Uncertain significance for Fanconi anemia. Last evaluated: 2023-12-19. Review status: criteria provided, single submitter. Criteria: Invitae Variant Classification Sherloc (09022015). Collection method: clinical testing. Allele origin: germline.
Comment: This sequence change replaces arginine, which is basic and polar, with leucine, which is neutral and non-polar, at codon 840 of the FANCI protein (p.Arg840Leu). This variant is not present in population databases (gnomAD no frequency). This variant has not been reported in the literature in individuals affected with FANCI-related conditions. ClinVar contains an entry for this variant (Variation ID: 456208). An algorithm developed to predict the effect of missense changes on protein structure and function (PolyPhen-2) suggests that this variant is likely to be disruptive. In summary, the available evidence is currently insufficient to determine the role of this variant in disease. Therefore, it has been classified as a Variant of Uncertain Significance.